The following is an entry in ClinVar:

NM_001267550.2(TTN):c.55156_55165del (p.Asp18386fs)

Genes: TTN-AS1 (TTN antisense RNA 1; plus strand), TTN (titin; minus strand). Cytogenetic location: 2q31.2.
Variant type: Deletion.
Coding change: c.55156_55165del on transcript NM_001267550.2 (MANE Select); coding-DNA positions 55156 to 55165, 10 bases deleted (GACTGTCTGG; older notation c.55156_55165delGACTGTCTGG).
Protein change: p.Asp18386fs; shifts the reading frame from aspartic acid 18386.
Molecular consequence: frameshift variant.
Genome position (GRCh38, 1-based): chr2:178,602,106-178,602,115, CCAGACAGTC deleted on the plus strand (GACTGTCTGG on the coding strand, the reverse complement: TTN is on the minus strand); deleting any 10 consecutive bases within chr2:178,602,106-178,602,116 gives the same sequence; the c. name uses the placement nearest the transcript's 3' end. VCF-style (leftmost placement, unchanged base first): chr2-178602105-ACCAGACAGTC-A. GRCh37 (hg19) VCF-style: chr2-179466832-ACCAGACAGTC-A.
Other names: c.50233_50242del, p.Asp16745fs (NM_001256850.1); c.27961_27970del, p.Asp9321fs (NM_003319.4); c.47452_47461del, p.Asp15818fs (NM_133378.4); c.28336_28345del, p.Asp9446fs (NM_133432.3); c.28537_28546del, p.Asp9513fs (NM_133437.4); c.55156_55165delGACTGTCTGG (NM_001267550.2); short protein forms D9446fs, D9513fs, D9321fs, D15818fs, D16745fs, D18386fs.
Identifiers: ClinVar variation 466640 (VCV000466640.10), dbSNP rs1553674975, ClinGen allele CA658657145.

ClinVar aggregate classification (germline): Likely pathogenic (1 of 4 stars; one submission).

Conditions:
Autosomal recessive limb-girdle muscular dystrophy type 2J (LGMDR10). Also called: Limb-girdle muscular dystrophy, type 2J; MUSCULAR DYSTROPHY, LIMB-GIRDLE, AUTOSOMAL RECESSIVE 10. Identifiers: Orphanet 140922, MedGen C1837342, MONDO:0012127, OMIM 608807.
Dilated cardiomyopathy 1G (CMD1G). Identifiers: Orphanet 154, MedGen C1858763, MONDO:0011400, OMIM 604145.

Submission:

Labcorp Genetics (formerly Invitae), Labcorp
Classification: Likely pathogenic for Dilated cardiomyopathy 1G; Autosomal recessive limb-girdle muscular dystrophy type 2J. Last evaluated: 2018-10-26. Review status: criteria provided, single submitter. Criteria: Invitae Variant Classification Sherloc (09022015). Collection method: clinical testing. Allele origin: germline.
Comment: For these reasons, this variant has been classified as Likely Pathogenic. This variant is found in the A-band of this gene. Truncating variants in the A-band of TTN are significantly overrepresented in patients with dilated cardiomyopathy and are considered to be likely pathogenic for the disease (PMID: 25589632). Truncating variants in TTN have also been reported in individuals affected with autosomal recessive centronuclear myopathy (PMID: 23975875). This variant has not been reported in the literature in individuals with TTN-related disease. ClinVar contains an entry for this variant (Variation ID: 466640). This variant is not present in population databases (ExAC no frequency). This sequence change results in a premature translational stop signal in the TTN gene (p.Asp18386Phefs*34). While this is not anticipated to result in nonsense mediated decay, it is expected to disrupt the TTN protein.

Literature cited by the submitters: PubMed 25589632; PubMed 23975875.